The following is an entry in ClinVar:

ClinVar aggregate classification (germline): Conflicting classifications of pathogenicity. Review status: criteria provided, conflicting classifications (1 of 4 stars). 3 submissions from 3 submitters: Uncertain significance (1); Likely benign (1). 1 of the submissions does not count toward it. Last evaluated 2024-12-14.

Conditions:
DHCR7-related disorder. Also called: DHCR7-related condition.
Smith-Lemli-Opitz syndrome (SLOS). Also called: 7-Dehydrocholesterol reductase deficiency; LETHAL ACRODYSGENITAL SYNDROME; POLYDACTYLY, SEX REVERSAL, RENAL HYPOPLASIA, AND UNILOBAR LUNG; RSH SYNDROME; RUTLEDGE LETHAL MULTIPLE CONGENITAL ANOMALY SYNDROME. Identifiers: Orphanet 818, MedGen C0175694, MONDO:0010035, OMIM 270400.

Allele frequency attached by ClinVar (database versions not stated): gnomAD exomes below 0.00001 and 0.00003; ExAC 0.00001; gnomAD 0.00001; TOPMed 0.00001.
gnomAD v4.1: 46 of 1,610,380 alleles (0.0029%); highest among the groups gnomAD compares: Non-Finnish European, 0.0036%; no homozygotes.

Submissions (3):

Labcorp Genetics (formerly Invitae), Labcorp
Classification: Uncertain significance for Smith-Lemli-Opitz syndrome. Last evaluated: 2024-12-14. Review status: criteria provided, single submitter. Criteria: Invitae Variant Classification Sherloc (09022015). Collection method: clinical testing. Allele origin: germline.
Comment: This sequence change falls in intron 5 of the DHCR7 gene. It does not directly change the encoded amino acid sequence of the DHCR7 protein. It affects a nucleotide within the consensus splice site. This variant is present in population databases (rs776841323, gnomAD 0.0009%). This variant has not been reported in the literature in individuals affected with DHCR7-related conditions. ClinVar contains an entry for this variant (Variation ID: 514122). Variants that disrupt the consensus splice site are a relatively common cause of aberrant splicing (PMID: 17576681, 9536098). Algorithms developed to predict the effect of sequence changes on RNA splicing suggest that this variant is not likely to affect RNA splicing. In summary, the available evidence is currently insufficient to determine the role of this variant in disease. Therefore, it has been classified as a Variant of Uncertain Significance.

GeneDx
Classification: Likely benign. Last evaluated: 2017-12-14. Review status: criteria provided, single submitter. Criteria: GeneDx Variant Classification (06012015). Collection method: clinical testing. Allele origin: germline. Affected: yes.
Comment: This variant is considered likely benign or benign based on one or more of the following criteria: it is a conservative change, it occurs at a poorly conserved position in the protein, it is predicted to be benign by multiple in silico algorithms, and/or has population frequency not consistent with disease.

PreventionGenetics, part of Exact Sciences
Classification: Likely benign for DHCR7-related condition. Last evaluated: 2022-08-09. Review status: no assertion criteria provided. Collection method: clinical testing. Allele origin: germline. Not counted in ClinVar's aggregate classification.
Comment: This variant is classified as likely benign based on ACMG/AMP sequence variant interpretation guidelines (Richards et al. 2015 PMID: 25741868, with internal and published modifications).

Literature cited by the submitters: PubMed 17576681 (cited by Labcorp Genetics (formerly Invitae), Labcorp); PubMed 9536098 (cited by Labcorp Genetics (formerly Invitae), Labcorp).

NM_001360.3(DHCR7):c.412+4G>A

Gene: DHCR7 (7-dehydrocholesterol reductase; minus strand). Cytogenetic location: 11q13.4.
Variant type: single nucleotide variant.
Coding change: c.412+4G>A on transcript NM_001360.3 (MANE Select); 4 bases into the intron after coding-DNA position 412, G replaced by A.
Molecular consequence: intron variant.
Genome position (GRCh38, 1-based): chr11:71,442,259, C>T on the plus strand (G>A on the coding strand, the complement: DHCR7 is on the minus strand). VCF-style: chr11-71442259-C-T. GRCh37 (hg19) VCF-style: chr11-71153305-C-T.
Other names: c.412+4G>A (NM_001163817.2).
Identifiers: ClinVar variation 514122 (VCV000514122.5), dbSNP rs776841323, ClinGen allele CA6162588.